The following is an entry in ClinVar:

ClinVar aggregate classification (germline): Uncertain significance (1 of 4 stars; one submission).

Conditions:
Mitochondrial complex II deficiency, nuclear type 1. Also called: SUCCINATE CoQ REDUCTASE DEFICIENCY. Identifiers: Orphanet 3208, MedGen C5700310, MONDO:0100294, OMIM 252011.
Pheochromocytoma/paraganglioma syndrome 5. Also called: Paragangliomas 5; SDHA-Related Hereditary Paraganglioma-Pheochromocytoma Syndrome. Identifiers: Orphanet 29072, MedGen C3279992, MONDO:0013602, OMIM 614165.

Submission:

Labcorp Genetics (formerly Invitae), Labcorp
Classification: Uncertain significance for Pheochromocytoma/paraganglioma syndrome 5; Mitochondrial complex II deficiency, nuclear type 1. Last evaluated: 2024-08-27. Review status: criteria provided, single submitter. Criteria: Invitae Variant Classification Sherloc (09022015). Collection method: clinical testing. Allele origin: germline.
Comment: This sequence change replaces arginine, which is basic and polar, with leucine, which is neutral and non-polar, at codon 246 of the SDHA protein (p.Arg246Leu). This variant is not present in population databases (gnomAD no frequency). This variant has not been reported in the literature in individuals affected with SDHA-related conditions. ClinVar contains an entry for this variant (Variation ID: 1481577). Invitae Evidence Modeling of protein sequence and biophysical properties (such as structural, functional, and spatial information, amino acid conservation, physicochemical variation, residue mobility, and thermodynamic stability) has been performed for this missense variant. However, the output from this modeling did not meet the statistical confidence thresholds required to predict the impact of this variant on SDHA protein function. In summary, the available evidence is currently insufficient to determine the role of this variant in disease. Therefore, it has been classified as a Variant of Uncertain Significance.

NM_004168.4(SDHA):c.737G>T (p.Arg246Leu)

Gene: SDHA (succinate dehydrogenase complex flavoprotein subunit A; plus strand). Cytogenetic location: 5p15.33.
Variant type: single nucleotide variant.
Coding change: c.737G>T on transcript NM_004168.4 (MANE Select); coding-DNA position 737, G replaced by T.
Protein change: p.Arg246Leu; replaces arginine 246 with leucine.
Molecular consequence: missense variant.
Genome position (GRCh38, 1-based): chr5:228,300, G>T. VCF-style: chr5-228300-G-T. GRCh37 (hg19) VCF-style: chr5-228415-G-T.
Other names: c.593G>T, p.Arg198Leu (NM_001294332.2); c.737G>T, p.Arg246Leu (NM_001330758.2); short protein forms R198L, R246L.
Identifiers: ClinVar variation 1481577 (VCV001481577.6), dbSNP rs745309710, ClinGen allele CA359011125.